The following is an entry in ClinVar:

ClinVar aggregate classification (germline): Uncertain significance (1 of 4 stars; one submission).

Conditions:
Regional enteritis. Also called: Enteritis, Granulomatous. Identifiers: MedGen C0678202, MeSH D003424.
Blau syndrome (BLAUS). Also called: ARTHROCUTANEOUVEAL GRANULOMATOSIS; GRANULOMATOSIS, FAMILIAL JUVENILE SYSTEMIC; GRANULOMATOSIS, FAMILIAL, BLAU TYPE; GRANULOMATOUS INFLAMMATORY ARTHRITIS, DERMATITIS, AND UVEITIS, FAMILIAL; JABS SYNDROME. Identifiers: Orphanet 90340, MedGen C5201146, MONDO:0008523, OMIM 186580.

gnomAD v4.1: 11 of 1,613,420 alleles (0.00068%); highest among the groups gnomAD compares: Admixed American, 0.0033%; no homozygotes.

Submission:

Labcorp Genetics (formerly Invitae), Labcorp
Classification: Uncertain significance for Regional enteritis; Blau syndrome. Last evaluated: 2025-06-14. Review status: criteria provided, single submitter. Criteria: Invitae Variant Classification Sherloc (09022015). Collection method: clinical testing. Allele origin: germline.
Comment: This sequence change replaces glutamine, which is neutral and polar, with proline, which is neutral and non-polar, at codon 519 of the NOD2 protein (p.Gln519Pro). This variant is present in population databases (rs368316739, gnomAD 0.006%). This missense change has been observed in individual(s) with inflammatory bowel disease (PMID: 33692434). Invitae Evidence Modeling of protein sequence and biophysical properties (such as structural, functional, and spatial information, amino acid conservation, physicochemical variation, residue mobility, and thermodynamic stability) has been performed for this missense variant. However, the output from this modeling did not meet the statistical confidence thresholds required to predict the impact of this variant on NOD2 protein function. In summary, the available evidence is currently insufficient to determine the role of this variant in disease. Therefore, it has been classified as a Variant of Uncertain Significance.

Literature cited by the submitters: PubMed 33692434.

NM_001370466.1(NOD2):c.1475A>C (p.Gln492Pro)

Gene: NOD2 (nucleotide binding oligomerization domain containing 2; plus strand). Cytogenetic location: 16q12.1.
Variant type: single nucleotide variant.
Coding change: c.1475A>C on transcript NM_001370466.1 (MANE Select); coding-DNA position 1475, A replaced by C.
Protein change: p.Gln492Pro; replaces glutamine 492 with proline.
Molecular consequence: missense variant. On other transcripts: non-coding transcript variant (1).
Genome position (GRCh38, 1-based): chr16:50,711,467, A>C. VCF-style: chr16-50711467-A-C. GRCh37 (hg19) VCF-style: chr16-50745378-A-C.
Other names: c.1475A>C, p.Gln492Pro (NM_001293557.2); c.1556A>C, p.Gln519Pro (NM_022162.3); short protein forms Q519P, Q492P.
Identifiers: ClinVar variation 4791257 (VCV004791257.1).
Genomic context (GRCh38, chr16:50,711,467, plus strand): 5'-TGTTGCTGCAGGAGGGGGGGTCCCCAAAGACCACTACAGATATGTACCTGCTGATTCTGC[A>C]GCATTTTCTGCTGCATGCCACCCCCCCAGACTCAGCTTCCCAAGGTCTGGGACCCAGTCT-3'
Protein context (NP_001357395.1, residues 482-502): TTTDMYLLIL[Gln492Pro]HFLLHATPPD